The following is an entry in ClinVar:

NM_000548.5(TSC2):c.2038_2039delinsAT (p.Arg680Met)

Gene: TSC2 (TSC complex subunit 2; plus strand). Cytogenetic location: 16p13.3.
Variant type: Indel.
Coding change: c.2038_2039delinsAT on transcript NM_000548.5 (MANE Select); coding-DNA positions 2038 to 2039, CG replaced by AT.
Protein change: p.Arg680Met; replaces arginine 680 with methionine.
Molecular consequence: missense variant. On other transcripts: non-coding transcript variant (5).
Genome position (GRCh38, 1-based): chr16:2,071,875-2,071,876, CG replaced by AT. VCF-style: chr16-2071875-CG-AT. GRCh37 (hg19) VCF-style: chr16-2121876-CG-AT.
Other names: c.2038_2039delinsAT, p.Arg680Met (NM_001077183.3, NM_001114382.3, NM_001363528.2 and 6 more transcripts); c.1927_1928delinsAT, p.Arg643Met (NM_001318827.2, NM_001406678.1, NM_001406670.1); c.1891_1892delinsAT, p.Arg631Met (NM_001318829.2, NM_001406675.1, NM_001406676.1 and 1 more transcripts); c.1438_1439delinsAT, p.Arg480Met (NM_001318831.2, NM_001406682.1, NM_001406683.1 and 6 more transcripts); c.2071_2072delinsAT, p.Arg691Met (NM_001318832.2); c.694_695delinsAT, p.Arg232Met (NM_001406689.1, NM_001406690.1, NM_001406691.1 and 6 more transcripts); c.2026_2027delinsAT, p.Arg676Met (NM_001406673.1, NM_001406671.1); c.1981_1982delinsAT, p.Arg661Met (NM_001406677.1); and 3 more; short protein forms R631M, R676M, R680M, R691M, R146M, R643M, R661M, R232M.
Identifiers: ClinVar variation 5031386 (VCV005031386.1).

ClinVar aggregate classification (germline): Uncertain significance (1 of 4 stars; one submission).

Conditions:
Hereditary cancer-predisposing syndrome. Also called: Neoplastic Syndromes, Hereditary; Tumor predisposition; Hereditary neoplastic syndrome; Hereditary Cancer Syndrome. Identifiers: Orphanet 140162, MedGen C0027672, MeSH D009386, MONDO:0015356.

Submission:

Ambry Genetics
Classification: Uncertain significance for Hereditary cancer-predisposing syndrome. Last evaluated: 2026-08-25. Review status: criteria provided, single submitter. Criteria: Ambry Variant Classification Scheme 2023. Collection method: clinical testing. Allele origin: germline.
Comment: The c.2038_2039delCGinsAT variant (also known as p.R680M), located in coding exon 18 of the TSC2 gene, results from an in-frame deletion of CG and insertion of AT at nucleotide positions 2038 to 2039. This results in the substitution of the arginine residue for a methionine residue at codon 680, an amino acid with similar properties. This amino acid position is highly conserved in available vertebrate species. In addition, this variant is predicted to be neutral by in silico analysis (Choi Y et al. PLoS ONE. 2012; 7(10):e46688). Based on the available evidence, the clinical significance of this variant remains unclear.